The following is an entry in ClinVar:

NM_058195.4(CDKN2A):c.70G>A (p.Val24Met)

Gene: CDKN2A (cyclin dependent kinase inhibitor 2A; minus strand). Cytogenetic location: 9p21.3.
Variant type: single nucleotide variant.
Coding change: c.70G>A on transcript NM_058195.4 (MANE Plus Clinical); coding-DNA position 70, G replaced by A.
Protein change: p.Val24Met; replaces valine 24 with methionine.
Molecular consequence: missense variant. On other transcripts: intron variant (1).
Genome position (GRCh38, 1-based): chr9:21,994,262, C>T on the plus strand (G>A on the coding strand, the complement: CDKN2A is on the minus strand). VCF-style: chr9-21994262-C-T. GRCh37 (hg19) VCF-style: chr9-21994261-C-T.
Other names: c.-4+559G>A (NM_001363763.2); short protein forms V24M.
Identifiers: ClinVar variation 993059 (VCV000993059.3), dbSNP rs1406669428, ClinGen allele CA373087004.

ClinVar aggregate classification (germline): Uncertain significance. Review status: criteria provided, multiple submitters, no conflicts (2 of 4 stars). 2 submissions from 2 submitters: Uncertain significance (2). Last evaluated 2025-04-29.

Allele frequency attached by ClinVar (database versions not stated): gnomAD 0.00001; TOPMed below 0.00001.
gnomAD v4.1: 1 of 1,605,662 alleles (0.000062%); highest among the groups gnomAD compares: African/African-American, 0.0013%; no homozygotes.

Submissions (2):

GeneDx
Classification: Uncertain significance. Last evaluated: 2025-04-29. Review status: criteria provided, single submitter. Criteria: GeneDx Variant Classification Process June 2021. Collection method: clinical testing. Allele origin: germline. Affected: yes.
Comment: Not observed at significant frequency in large population cohorts (gnomAD); In silico analysis indicates that this missense variant does not alter protein structure/function; Has not been previously published as pathogenic or benign to our knowledge; Reported using an alternate transcript of the gene; This variant is associated with the following publications: (PMID: 9653180, 9529249, 16173922, 12648234)

Quest Diagnostics Nichols Institute San Juan Capistrano
Classification: Uncertain significance. Last evaluated: 2020-04-14. Review status: criteria provided, single submitter. Criteria: Quest Diagnostics criteria. Collection method: clinical testing. Allele origin: unknown.

Literature cited by the submitters: PubMed 12648234 (cited by Quest Diagnostics Nichols Institute San Juan Capistrano).